The following is an entry in ClinVar:

ClinVar aggregate classification (germline): Uncertain significance (1 of 4 stars; one submission).

Conditions:
Hereditary spastic paraplegia 11. Also called: Nakamura Osame syndrome; Autosomal recessive hereditary spastic paraplegia, mental impairment, and thin corpus callosum; Spastic paraplegia, mental retardation and thin corpus callosum; Spastic Paraplegia 11; SPASTIC PARAPLEGIA, AUTOSOMAL RECESSIVE, COMPLICATED, WITH THIN CORPUS CALLOSUM; SPASTIC PARAPLEGIA, AUTOSOMAL RECESSIVE, WITH MENTAL IMPAIRMENT AND THIN CORPUS CALLOSUM. Identifiers: Orphanet 2822, MedGen C1858479, MONDO:0011445, OMIM 604360.

Allele frequency attached by ClinVar (database versions not stated): gnomAD 0.00001.
gnomAD v4.1: 6 of 1,613,972 alleles (0.00037%); highest among the groups gnomAD compares: South Asian, 0.0055%; 1 homozygote.

Submission:

Labcorp Genetics (formerly Invitae), Labcorp
Classification: Uncertain significance for Hereditary spastic paraplegia 11. Last evaluated: 2023-06-18. Review status: criteria provided, single submitter. Criteria: Invitae Variant Classification Sherloc (09022015). Collection method: clinical testing. Allele origin: germline.
Comment: In summary, the available evidence is currently insufficient to determine the role of this variant in disease. Therefore, it has been classified as a Variant of Uncertain Significance. Advanced modeling of protein sequence and biophysical properties (such as structural, functional, and spatial information, amino acid conservation, physicochemical variation, residue mobility, and thermodynamic stability) performed at Invitae indicates that this missense variant is expected to disrupt SPG11 protein function. This variant has not been reported in the literature in individuals affected with SPG11-related conditions. This variant is present in population databases (no rsID available, gnomAD 0.0009%). This sequence change replaces proline, which is neutral and non-polar, with serine, which is neutral and polar, at codon 529 of the SPG11 protein (p.Pro529Ser).

NM_025137.4(SPG11):c.1585C>T (p.Pro529Ser)

Gene: SPG11 (SPG11 vesicle trafficking associated, spatacsin; minus strand). Cytogenetic location: 15q21.1.
Variant type: single nucleotide variant.
Coding change: c.1585C>T on transcript NM_025137.4 (MANE Select); coding-DNA position 1585, C replaced by T.
Protein change: p.Pro529Ser; replaces proline 529 with serine.
Molecular consequence: missense variant.
Genome position (GRCh38, 1-based): chr15:44,648,883, G>A on the plus strand (C>T on the coding strand, the complement: SPG11 is on the minus strand). VCF-style: chr15-44648883-G-A. GRCh37 (hg19) VCF-style: chr15-44941081-G-A.
Other names: c.1585C>T, p.Pro529Ser (NM_001160227.2, NM_001411132.1); short protein forms P529S.
Identifiers: ClinVar variation 2873813 (VCV002873813.3), dbSNP rs1372562122, ClinGen allele CA392235495.